The following is an entry in ClinVar:

NM_058216.3(RAD51C):c.12G>C (p.Lys4Asn)

Gene: RAD51C (RAD51 paralog C; plus strand). Cytogenetic location: 17q22.
Variant type: single nucleotide variant.
Coding change: c.12G>C on transcript NM_058216.3 (MANE Select); coding-DNA position 12, G replaced by C.
Protein change: p.Lys4Asn; replaces lysine 4 with asparagine.
Molecular consequence: missense variant. On other transcripts: non-coding transcript variant (2).
Genome position (GRCh38, 1-based): chr17:58,692,655, G>C. VCF-style: chr17-58692655-G-C. GRCh37 (hg19) VCF-style: chr17-56770016-G-C.
Other names: c.12G>C, p.Lys4Asn (NM_002876.4, NM_058217.1); short protein forms K4N.
Identifiers: ClinVar variation 2003741 (VCV002003741.4), dbSNP rs781166242, ClinGen allele CA400336144.

ClinVar aggregate classification (germline): Uncertain significance (1 of 4 stars; one submission).

Conditions:
Fanconi anemia complementation group O. Also called: RAD51C-Related Fanconi Anemia. Identifiers: Orphanet 84, MedGen C3150653, MONDO:0013248, OMIM 613390.

Submission:

Labcorp Genetics (formerly Invitae), Labcorp
Classification: Uncertain significance for Fanconi anemia complementation group O. Last evaluated: 2022-06-09. Review status: criteria provided, single submitter. Criteria: Invitae Variant Classification Sherloc (09022015). Collection method: clinical testing. Allele origin: germline.
Comment: In summary, the available evidence is currently insufficient to determine the role of this variant in disease. Therefore, it has been classified as a Variant of Uncertain Significance. Algorithms developed to predict the effect of missense changes on protein structure and function (SIFT, PolyPhen-2, Align-GVGD) all suggest that this variant is likely to be tolerated. This variant has not been reported in the literature in individuals affected with RAD51C-related conditions. This variant is not present in population databases (gnomAD no frequency). This sequence change replaces lysine, which is basic and polar, with asparagine, which is neutral and polar, at codon 4 of the RAD51C protein (p.Lys4Asn).